The following is an entry in ClinVar:

NM_005802.5(TOPORS):c.659C>G (p.Thr220Arg)

Gene: TOPORS (TOP1 binding arginine/serine rich protein, E3 ubiquitin ligase; minus strand). Cytogenetic location: 9p21.1.
Variant type: single nucleotide variant.
Coding change: c.659C>G on transcript NM_005802.5 (MANE Select); coding-DNA position 659, C replaced by G.
Protein change: p.Thr220Arg; replaces threonine 220 with arginine.
Molecular consequence: missense variant.
Genome position (GRCh38, 1-based): chr9:32,543,866, G>C on the plus strand (C>G on the coding strand, the complement: TOPORS is on the minus strand). VCF-style: chr9-32543866-G-C. GRCh37 (hg19) VCF-style: chr9-32543864-G-C.
Other names: c.464C>G, p.Thr155Arg (NM_001195622.2); short protein forms T155R, T220R.
Identifiers: ClinVar variation 1450363 (VCV001450363.8), dbSNP rs780773762, ClinGen allele CA5020613.
Genomic context (GRCh38, chr9:32,543,866, plus strand): 5'-GTTGGCCTCCTTACTGCAATCTGTCTCATAAACTGAGGAATTTCAACATCTCTAGGTCTT[G>C]TTGAAATGCCTAACCCTTCAAACAGTACTCCACTATCCGGTGGAGTTGTTGTTCTTCTGT-3'
Protein context (NP_005793.2, residues 210-230): GVLFEGLGIS[Thr220Arg]RPRDVEIPQF

ClinVar aggregate classification (germline): Uncertain significance (1 of 4 stars; one submission).

Allele frequency attached by ClinVar (database versions not stated): gnomAD exomes 0.00001; ExAC 0.00002.

Submission:

Labcorp Genetics (formerly Invitae), Labcorp
Classification: Uncertain significance. Last evaluated: 2022-08-23. Review status: criteria provided, single submitter. Criteria: Invitae Variant Classification Sherloc (09022015). Collection method: clinical testing. Allele origin: germline.
Comment: In summary, the available evidence is currently insufficient to determine the role of this variant in disease. Therefore, it has been classified as a Variant of Uncertain Significance. Algorithms developed to predict the effect of missense changes on protein structure and function are either unavailable or do not agree on the potential impact of this missense change (SIFT: "Tolerated"; PolyPhen-2: "Possibly Damaging"; Align-GVGD: "Class C0"). ClinVar contains an entry for this variant (Variation ID: 1450363). This variant has not been reported in the literature in individuals affected with TOPORS-related conditions. This variant is present in population databases (rs780773762, gnomAD 0.01%). This sequence change replaces threonine, which is neutral and polar, with arginine, which is basic and polar, at codon 220 of the TOPORS protein (p.Thr220Arg).